The following is an entry in ClinVar:

NM_002691.4(POLD1):c.1120G>A (p.Glu374Lys)

Gene: POLD1 (DNA polymerase delta 1, catalytic subunit; plus strand). Cytogenetic location: 19q13.33.
Variant type: single nucleotide variant.
Coding change: c.1120G>A on transcript NM_002691.4 (MANE Select); coding-DNA position 1120, G replaced by A.
Protein change: p.Glu374Lys; replaces glutamic acid 374 with lysine.
Molecular consequence: missense variant. On other transcripts: non-coding transcript variant (1).
Genome position (GRCh38, 1-based): chr19:50,403,202, G>A. VCF-style: chr19-50403202-G-A. GRCh37 (hg19) VCF-style: chr19-50906459-G-A.
Other names: c.1120G>A, p.Glu374Lys (NM_001256849.1, NM_001308632.1); short protein forms E374K.
Identifiers: ClinVar variation 1918211 (VCV001918211.5), dbSNP rs2513974103, ClinGen allele CA406978367.

ClinVar aggregate classification (germline): Uncertain significance (1 of 4 stars; one submission).

Conditions:
POLD1-related polyposis and colorectal cancer syndrome (CRCS10). Also called: Colorectal cancer 10; COLORECTAL CANCER, SUSCEPTIBILITY TO, ON CHROMOSOME 19q; Colorectal cancer, susceptibility to, 10. Identifiers: Orphanet 220460, MedGen C2675481, MONDO:0012953, OMIM 612591.

Submission:

Labcorp Genetics (formerly Invitae), Labcorp
Classification: Uncertain significance for POLD1-related polyposis and colorectal cancer syndrome. Last evaluated: 2022-04-04. Review status: criteria provided, single submitter. Criteria: Invitae Variant Classification Sherloc (09022015). Collection method: clinical testing. Allele origin: germline.
Comment: This sequence change replaces glutamic acid, which is acidic and polar, with lysine, which is basic and polar, at codon 374 of the POLD1 protein (p.Glu374Lys). This variant is not present in population databases (gnomAD no frequency). This missense change has been observed in individual(s) with endometrial cancer (PMID: 31866764). Algorithms developed to predict the effect of missense changes on protein structure and function are either unavailable or do not agree on the potential impact of this missense change (SIFT: "Deleterious"; PolyPhen-2: "Probably Damaging"; Align-GVGD: "Class C0"). In summary, the available evidence is currently insufficient to determine the role of this variant in disease. Therefore, it has been classified as a Variant of Uncertain Significance.

Literature cited by the submitters: PubMed 31866764.